The following is an entry in ClinVar:

ClinVar aggregate classification (germline): Uncertain significance (1 of 4 stars; one submission).

Conditions:
Chédiak-Higashi syndrome (CHS). Also called: Chediak-Higashi Syndrome. Identifiers: Orphanet 167, MedGen C0007965, MONDO:0008963, OMIM 214500.

Allele frequency attached by ClinVar (database versions not stated): gnomAD 0.00001; gnomAD exomes 0.00001; TOPMed 0.00001; ExAC 0.00002.
gnomAD v4.1: 13 of 1,613,958 alleles (0.00081%); highest among the groups gnomAD compares: Admixed American, 0.0033%; no homozygotes.

Submission:

Labcorp Genetics (formerly Invitae), Labcorp
Classification: Uncertain significance for Chédiak-Higashi syndrome. Last evaluated: 2021-09-01. Review status: criteria provided, single submitter. Criteria: Invitae Variant Classification Sherloc (09022015). Collection method: clinical testing. Allele origin: germline.
Comment: This sequence change replaces isoleucine with valine at codon 3375 of the LYST protein (p.Ile3375Val). The isoleucine residue is highly conserved and there is a small physicochemical difference between isoleucine and valine. This variant is present in population databases (rs770331918, ExAC 0.004%). This variant has not been reported in the literature in individuals affected with LYST-related conditions. Algorithms developed to predict the effect of missense changes on protein structure and function are either unavailable or do not agree on the potential impact of this missense change (SIFT: "Tolerated"; PolyPhen-2: "Possibly Damaging"; Align-GVGD: "Class C0"). In summary, the available evidence is currently insufficient to determine the role of this variant in disease. Therefore, it has been classified as a Variant of Uncertain Significance.

NM_000081.4(LYST):c.10123A>G (p.Ile3375Val)

Genes: LYST (lysosomal trafficking regulator; minus strand), LOC126806063 (MED14-independent group 3 enhancer GRCh37_chr1:235871544-235872743; plus strand). Cytogenetic location: 1q42.3.
Variant type: single nucleotide variant.
Coding change: c.10123A>G on transcript NM_000081.4 (MANE Select); coding-DNA position 10123, A replaced by G.
Protein change: p.Ile3375Val; replaces isoleucine 3375 with valine.
Molecular consequence: missense variant.
Genome position (GRCh38, 1-based): chr1:235,709,111, T>C on the plus strand (A>G on the coding strand, the complement: LYST is on the minus strand). VCF-style: chr1-235709111-T-C. GRCh37 (hg19) VCF-style: chr1-235872411-T-C.
Other names: c.10123A>G, p.Ile3375Val (NM_001301365.1); short protein forms I3375V.
Identifiers: ClinVar variation 933841 (VCV000933841.4), dbSNP rs770331918, ClinGen allele CA1465444.